The following is an entry in ClinVar:

NM_002890.3(RASA1):c.64G>T (p.Gly22Cys)

Gene: RASA1 (RAS p21 protein activator 1; plus strand). Cytogenetic location: 5q14.3.
Variant type: single nucleotide variant.
Coding change: c.64G>T on transcript NM_002890.3 (MANE Select); coding-DNA position 64, G replaced by T.
Protein change: p.Gly22Cys; replaces glycine 22 with cysteine.
Molecular consequence: missense variant.
Genome position (GRCh38, 1-based): chr5:87,268,515, G>T. VCF-style: chr5-87268515-G-T. GRCh37 (hg19) VCF-style: chr5-86564332-G-T.
Other names: short protein forms G22C.
Identifiers: ClinVar variation 618857 (VCV000618857.27), dbSNP rs371413736, ClinGen allele CA3335313.

ClinVar aggregate classification (germline): Conflicting classifications of pathogenicity. Review status: criteria provided, conflicting classifications (1 of 4 stars). 8 submissions from 8 submitters: Uncertain significance (4); Benign (2); Likely benign (2). Last evaluated 2026-08-24.

Conditions:
RASA1-related disorder. Also called: RASA1-related condition.
Cardiovascular phenotype. Identifiers: MedGen CN230736.
Capillary malformation-arteriovenous malformation syndrome. Also called: Capillary malformation-arteriovenous malformation. Identifiers: Orphanet 137667, MedGen C1842180, MONDO:0012016.
Capillary malformation-arteriovenous malformation 1 (CMAVM1). Identifiers: Orphanet 137667, Orphanet 693907, MedGen C4747394, MONDO:0020783, OMIM 608354.

Allele frequency attached by ClinVar (database versions not stated): ExAC 0.00004; gnomAD 0.00007 and 0.00009; ESP Exome Variant Server 0.00016; TOPMed 0.00016.
gnomAD v4.1: 305 of 1,577,504 alleles (0.019%); highest among the groups gnomAD compares: Non-Finnish European, 0.024%; no homozygotes.

Submissions (8):

PreventionGenetics, part of Exact Sciences
Classification: Uncertain significance for RASA1-related condition. Last evaluated: 2026-08-24. Review status: criteria provided, single submitter. Criteria: ACMG Guidelines, 2015. Collection method: clinical testing. Allele origin: germline.
Comment: The RASA1 c.64G>T variant is predicted to result in the amino acid substitution p.Gly22Cys. This variant was reported on the same allele (in cis) with a nonsense RASA1 variant (p.Arg1010*) in a son and mother affected with capillary malformation arteriovenous malformation. Family follow up studies showed that that the nonsense variant occurred de novo in the mother, while the p.Gly22Cys variant was inherited from the unaffected maternal grandfather (Revencu et al. 2013. PubMed ID: 24038909). This variant is reported in 0.014% of alleles in individuals of European (Non-Finnish) descent in gnomAD, which may be too frequent to be a pathogenic variant. Although we suspect this variant may be benign, at this time, the clinical significance of this variant is uncertain due to the absence of conclusive functional and genetic evidence.

Ambry Genetics
Classification: Benign for Cardiovascular phenotype. Last evaluated: 2026-03-31. Review status: criteria provided, single submitter. Criteria: Ambry Variant Classification Scheme 2023. Collection method: clinical testing. Allele origin: germline.

Labcorp Genetics (formerly Invitae), Labcorp
Classification: Uncertain significance for Capillary malformation-arteriovenous malformation syndrome. Last evaluated: 2026-02-02. Review status: criteria provided, single submitter. Criteria: Invitae Variant Classification Sherloc (09022015). Collection method: clinical testing. Allele origin: germline.
Comment: This sequence change replaces glycine, which is neutral and non-polar, with cysteine, which is neutral and slightly polar, at codon 22 of the RASA1 protein (p.Gly22Cys). This variant is present in population databases (rs371413736, gnomAD 0.01%). This missense change has been observed in individual(s) with capillary malformation–arteriovenous malformation (PMID: 24038909). ClinVar contains an entry for this variant (Variation ID: 618857). An algorithm developed to predict the effect of missense changes on protein structure and function (PolyPhen-2) suggests that this variant is likely to be disruptive. In summary, the available evidence is currently insufficient to determine the role of this variant in disease. Therefore, it has been classified as a Variant of Uncertain Significance.

Revvity Omics, Revvity
Classification: Uncertain significance for Capillary malformation-arteriovenous malformation 1. Last evaluated: 2025-05-26. Review status: criteria provided, single submitter. Criteria: ACMG Guidelines, 2015. Collection method: clinical testing. Allele origin: germline.

Blueprint Genetics
Classification: Likely benign. Last evaluated: 2024-10-21. Review status: criteria provided, single submitter. Criteria: ACMG Guidelines, 2015. Collection method: clinical testing. Allele origin: germline.

GeneDx
Classification: Likely benign. Last evaluated: 2020-10-13. Review status: criteria provided, single submitter. Criteria: GeneDx Variant Classification Process June 2021. Collection method: clinical testing. Allele origin: germline. Affected: yes.
Comment: This variant is associated with the following publications: (PMID: 24038909)

Baylor Genetics
Classification: Uncertain significance for Capillary malformation-arteriovenous malformation 1. Last evaluated: 2019-01-18. Review status: criteria provided, single submitter. Criteria: ACMG Guidelines, 2015. Collection method: clinical testing. Allele origin: paternal. Affected: yes.
Comment: This variant was determined to be of uncertain significance according to ACMG Guidelines, 2015 [PMID:25741868].

ARUP Laboratories, Molecular Genetics and Genomics, ARUP Laboratories
Classification: Benign. Last evaluated: 2017-09-07. Review status: criteria provided, single submitter. Criteria: ARUP Molecular Germline Variant Investigation Process. Collection method: clinical testing. Allele origin: germline.

Literature cited by the submitters: PubMed 24038909 (cited by Labcorp Genetics (formerly Invitae), Labcorp).